The following is an entry in ClinVar:

NM_001876.4(CPT1A):c.931A>G (p.Met311Val)

Gene: CPT1A (carnitine palmitoyltransferase 1A; minus strand). Cytogenetic location: 11q13.3.
Variant type: single nucleotide variant.
Coding change: c.931A>G on transcript NM_001876.4 (MANE Select); coding-DNA position 931, A replaced by G.
Protein change: p.Met311Val; replaces methionine 311 with valine.
Molecular consequence: missense variant.
Genome position (GRCh38, 1-based): chr11:68,793,351, T>C on the plus strand (A>G on the coding strand, the complement: CPT1A is on the minus strand). VCF-style: chr11-68793351-T-C. GRCh37 (hg19) VCF-style: chr11-68560819-T-C.
Other names: c.931A>G, p.Met311Val (NM_001031847.3); short protein forms M311V.
Identifiers: ClinVar variation 2418249 (VCV002418249.3), dbSNP rs1212851154, ClinGen allele CA381634213.
Genomic context (GRCh38, chr11:68,793,351, plus strand): 5'-GGGCCCTGAAGAAGCTTGACTCACCTGTCTCCTCTCCTGGGATCCGGGAAGTATTAAACA[T>C]CCGCTCCCACTGAGCGGAGCAGAGTGGAATCGTGGATCCCAAAAGACGAATCTGTAACAA-3'
Protein context (NP_001867.2, residues 301-321): IPLCSAQWER[Met311Val]FNTSRIPGEE

ClinVar aggregate classification (germline): Uncertain significance (1 of 4 stars; one submission).

Conditions:
Carnitine palmitoyl transferase 1A deficiency. Also called: Carnitine palmitoyltransferase 1A deficiency; CPT I DEFICIENCY; CPT DEFICIENCY, HEPATIC, TYPE I; Carnitine palmitoyltransferase type I deficiency; CPT deficiency, hepatic, type IA. Identifiers: Orphanet 156, MedGen C1829703, MONDO:0009705, OMIM 255120.

Allele frequency attached by ClinVar (database versions not stated): TOPMed below 0.00001; gnomAD 0.00001.
gnomAD v4.1: 1 of 1,612,128 alleles (0.000062%); highest among the groups gnomAD compares: Admixed American, 0.0017%; no homozygotes.

Submission:

Labcorp Genetics (formerly Invitae), Labcorp
Classification: Uncertain significance for Carnitine palmitoyl transferase 1A deficiency. Last evaluated: 2022-08-13. Review status: criteria provided, single submitter. Criteria: Invitae Variant Classification Sherloc (09022015). Collection method: clinical testing. Allele origin: germline.
Comment: This sequence change replaces methionine, which is neutral and non-polar, with valine, which is neutral and non-polar, at codon 311 of the CPT1A protein (p.Met311Val). This variant is not present in population databases (gnomAD no frequency). This variant has not been reported in the literature in individuals affected with CPT1A-related conditions. Algorithms developed to predict the effect of missense changes on protein structure and function (SIFT, PolyPhen-2, Align-GVGD) all suggest that this variant is likely to be tolerated. In summary, the available evidence is currently insufficient to determine the role of this variant in disease. Therefore, it has been classified as a Variant of Uncertain Significance.